The following is an entry in ClinVar:

ClinVar aggregate classification (germline): Uncertain significance (1 of 4 stars; one submission).

Conditions:
Cystic fibrosis (CF). Also called: MUCOVISCIDOSIS. Identifiers: Orphanet 586, MedGen C0010674, MONDO:0009061, OMIM 219700. Disease mechanism: loss of function.

Allele frequency attached by ClinVar (database versions not stated): TOPMed 0.00001; gnomAD exomes 0.00002.
gnomAD v4.1: 23 of 1,604,366 alleles (0.0014%); highest among the groups gnomAD compares: Non-Finnish European, 0.002%; no homozygotes.

Submission:

Ambry Genetics
Classification: Uncertain significance for Cystic fibrosis. Last evaluated: 2024-06-27. Review status: criteria provided, single submitter. Criteria: Ambry Variant Classification Scheme 2023. Collection method: clinical testing. Allele origin: germline.
Comment: The p.T757S variant (also known as c.2270C>G), located in coding exon 14 of the CFTR gene, results from a C to G substitution at nucleotide position 2270. The threonine at codon 757 is replaced by serine, an amino acid with similar properties. This amino acid position is not well conserved in available vertebrate species. In addition, the in silico prediction for this alteration is inconclusive. Based on the available evidence, the clinical significance of this variant remains unclear.

NM_000492.4(CFTR):c.2270C>G (p.Thr757Ser)

Gene: CFTR (CF transmembrane conductance regulator; plus strand). Cytogenetic location: 7q31.2.
Variant type: single nucleotide variant.
Coding change: c.2270C>G on transcript NM_000492.4 (MANE Select); coding-DNA position 2270, C replaced by G.
Protein change: p.Thr757Ser; replaces threonine 757 with serine.
Molecular consequence: missense variant.
Genome position (GRCh38, 1-based): chr7:117,592,437, C>G. VCF-style: chr7-117592437-C-G. GRCh37 (hg19) VCF-style: chr7-117232491-C-G.
Other names: short protein forms T757S.
Identifiers: ClinVar variation 1788776 (VCV001788776.3), dbSNP rs1196473456, ClinGen allele CA368980756.